The following is an entry in ClinVar:

ClinVar aggregate classification (germline): Pathogenic (1 of 4 stars; one submission).

Conditions:
Imerslund-Grasbeck syndrome. Also called: Megaloblastic anemia due to inborn errors of metabolism; ENTEROCYTE COBALAMIN MALABSORPTION; ENTEROCYTE INTRINSIC FACTOR RECEPTOR, DEFECT OF; Imerslund-Gräsbeck syndrome; PERNICIOUS ANEMIA, JUVENILE, DUE TO SELECTIVE INTESTINAL MALABSORPTION OF VITAMIN B12, WITH PROTEINURIA. Identifiers: Orphanet 35858, MedGen C4551825, MONDO:0009853.

Submission:

Labcorp Genetics (formerly Invitae), Labcorp
Classification: Pathogenic for Imerslund-Grasbeck syndrome. Last evaluated: 2023-12-13. Review status: criteria provided, single submitter. Criteria: Invitae Variant Classification Sherloc (09022015). Collection method: clinical testing. Allele origin: germline.
Comment: This sequence change results in a frameshift in the AMN gene (p.Arg323Profs*). While this is not anticipated to result in nonsense mediated decay, it is expected to disrupt the last 131 amino acid(s) of the AMN protein and extend the protein by an uncertain number of additional amino acid residues. This variant is not present in population databases (gnomAD no frequency). This variant has not been reported in the literature in individuals affected with AMN-related conditions. This variant results in an extension of the AMN protein. Other variant(s) that result in a similarly extended protein product (p.His438Glnfs*) have been determined to be pathogenic (PMID: 22929189). This suggests that these extensions are likely to be disease-causing. For these reasons, this variant has been classified as Pathogenic.

Literature cited by the submitters: PubMed 22929189.

NM_030943.4(AMN):c.968_975del (p.Arg323fs)

Genes: AMN (amnion associated transmembrane protein; plus strand), LOC130056554 (ATAC-STARR-seq lymphoblastoid silent region 6136; plus strand). Cytogenetic location: 14q32.32.
Variant type: Deletion.
Coding change: c.968_975del on transcript NM_030943.4 (MANE Select); coding-DNA positions 968 to 975, 8 bases deleted (GGCTGGCC; older notation c.968_975delGGCTGGCC).
Protein change: p.Arg323fs; shifts the reading frame from arginine 323.
Molecular consequence: frameshift variant.
Genome position (GRCh38, 1-based): chr14:102,930,048-102,930,055, GGCTGGCC deleted; deleting any 8 consecutive bases within chr14:102,930,047-102,930,055 gives the same sequence; the c. name uses the placement nearest the transcript's 3' end. VCF-style (leftmost placement, unchanged base first): chr14-102930046-GCGGCTGGC-G. GRCh37 (hg19) VCF-style: chr14-103396383-GCGGCTGGC-G.
Other names: c.806_813delGGCTGGCC, p.Arg269Profs (NM_001425246.1); short protein forms R323fs.
Identifiers: ClinVar variation 2702738 (VCV002702738.3), dbSNP rs2542700246, ClinGen allele CA2697554228.